The following is an entry in ClinVar:

ClinVar aggregate classification (germline): Uncertain significance. Review status: criteria provided, multiple submitters, no conflicts (2 of 4 stars). 3 submissions from 3 submitters: Uncertain significance (3). Last evaluated 2023-05-30.

Conditions:
RNF43-related disorder. Also called: RNF43-related condition.

Allele frequency attached by ClinVar (database versions not stated): gnomAD 0.00001; TOPMed 0.00002; gnomAD exomes 0.00004 and 0.00005; ExAC 0.00006.
gnomAD v4.1: 75 of 1,591,276 alleles (0.0047%); highest among the groups gnomAD compares: East Asian, 0.016%; no homozygotes.

Submissions (3):

PreventionGenetics, part of Exact Sciences
Classification: Uncertain significance for RNF43-related condition. Last evaluated: 2023-05-30. Review status: criteria provided, single submitter. Criteria: ACMG Guidelines, 2015. Collection method: clinical testing. Allele origin: germline.
Comment: The RNF43 c.1190G>A variant is predicted to result in the amino acid substitution p.Arg397Gln. To our knowledge, this variant has not been reported in the literature. This variant is reported in 0.0062% of alleles in individuals of European (Non-Finnish) descent in gnomAD and is reported as a variant of uncertain significance in ClinVar. At this time, the clinical significance of this variant is uncertain due to the absence of conclusive functional and genetic evidence.

GeneDx
Classification: Uncertain significance. Last evaluated: 2023-05-10. Review status: criteria provided, single submitter. Criteria: GeneDx Variant Classification Process June 2021. Collection method: clinical testing. Allele origin: germline. Affected: yes.
Comment: In silico analysis supports that this missense variant does not alter protein structure/function; Has not been previously published as pathogenic or benign to our knowledge; Variants in candidate genes are classified as variants of uncertain significance in accordance with ACMG guidelines (Richards et al., 2015)

Labcorp Genetics (formerly Invitae), Labcorp
Classification: Uncertain significance. Last evaluated: 2022-09-23. Review status: criteria provided, single submitter. Criteria: Invitae Variant Classification Sherloc (09022015). Collection method: clinical testing. Allele origin: germline.
Comment: This sequence change replaces arginine, which is basic and polar, with glutamine, which is neutral and polar, at codon 397 of the RNF43 protein (p.Arg397Gln). This variant is present in population databases (rs764017391, gnomAD 0.005%). This variant has not been reported in the literature in individuals affected with RNF43-related conditions. ClinVar contains an entry for this variant (Variation ID: 970015). Algorithms developed to predict the effect of missense changes on protein structure and function output the following: SIFT: "Tolerated"; PolyPhen-2: "Benign"; Align-GVGD: "Class C0". The glutamine amino acid residue is found in multiple mammalian species, which suggests that this missense change does not adversely affect protein function. Algorithms developed to predict the effect of sequence changes on RNA splicing suggest that this variant may create or strengthen a splice site. In summary, the available evidence is currently insufficient to determine the role of this variant in disease. Therefore, it has been classified as a Variant of Uncertain Significance.

NM_017763.6(RNF43):c.1190G>A (p.Arg397Gln)

Gene: RNF43 (ring finger protein 43; minus strand). Cytogenetic location: 17q22.
Variant type: single nucleotide variant.
Coding change: c.1190G>A on transcript NM_017763.6 (MANE Select); coding-DNA position 1190, G replaced by A.
Protein change: p.Arg397Gln; replaces arginine 397 with glutamine.
Molecular consequence: missense variant.
Genome position (GRCh38, 1-based): chr17:58,358,586, C>T on the plus strand (G>A on the coding strand, the complement: RNF43 is on the minus strand). VCF-style: chr17-58358586-C-T. GRCh37 (hg19) VCF-style: chr17-56435947-C-T.
Other names: c.1190G>A, p.Arg397Gln (NM_001305544.3); c.809G>A, p.Arg270Gln (NM_001305545.2); short protein forms R270Q, R397Q.
Identifiers: ClinVar variation 970015 (VCV000970015.11), dbSNP rs764017391, ClinGen allele CA8673218.
Genomic context (GRCh38, chr17:58,358,586, plus strand): 5'-CCCCAGCCTTGTGCATAGGGGTGCTGGGCTCCTGCCAGGCGCTGCTGCTCTCCTGGAGCC[C>T]GGGGATGTGCAGCTCTGGGGAAGCGGTGATGCCGAGGGCCCATGCCTGGCTCCTGGGATG-3'
Protein context (NP_060233.3, residues 387-407): HHRFPRAAHP[Arg397Gln]APGEQQRLAG